The following is an entry in ClinVar:

ClinVar aggregate classification (germline): Uncertain significance. Review status: reviewed by expert panel (3 of 4 stars). 3 submissions from 3 submitters: Uncertain significance (1). 2 of the submissions do not count toward it. Last evaluated 2024-09-12.

Conditions:
Inborn genetic diseases. Identifiers: MedGen C0950123, MeSH D030342.
Hereditary thrombocytopenia and hematologic cancer predisposition syndrome. Identifiers: Orphanet 71290, MedGen CN281654, MONDO:0011071.
Hereditary thrombocytopenia and hematological cancer predisposition syndrome associated with RUNX1. Also called: Familial Platelet Disorder with Propensity to Acute Myelogenous Leukemia; Familial thrombocytopenia with propensity to acute myelogenous leukemia; PLATELET DISORDER, ASPIRIN-LIKE; RUNX1 Familial Platelet Disorder with Associated Myeloid Malignancies. Identifiers: Orphanet 71290, MedGen C1832388, MeSH C563324, MONDO:0100083, OMIM 601399.

Allele frequency attached by ClinVar (database versions not stated): gnomAD exomes 0.00001 and below 0.00001.
gnomAD v4.1: 1 of 1,565,090 alleles (0.000064%); highest among the groups gnomAD compares: Non-Finnish European, 0.000087%; no homozygotes.

Submissions (3):

ClinGen Myeloid Malignancy Variant Curation Expert Panel
Classification: Uncertain significance for Hereditary thrombocytopenia and hematologic cancer predisposition syndrome. Last evaluated: 2024-09-12. Review status: reviewed by expert panel. Criteria: ClinGen MyeloMalig ACMG Specifications v2. Collection method: curation. Allele origin: germline. Inheritance: Autosomal dominant inheritance.
Comment: NM_001754.5(RUNX1):c.1175A>G (p.Gln392Arg) is a missense variant which is present at a MAF of 0.00003853 (0.003853%, 1/25956) in the Admixed American population of gnomAD v2.1. This variant has not been reported in any proband meeting at least one of the RUNX1-phenotypic criteria. It has a REVEL score < 0.50 (0.197) and a SpliceAI score ≤ 0.20 (0) (BP4). In summary, the clinical significance of this variant is uncertain. ACMG/AMP criteria applied, as specified by the Myeloid Malignancy Variant Curation Expert Panel for RUNX1: BP4.

Ambry Genetics
Classification: Uncertain significance for Inborn genetic diseases. Last evaluated: 2026-06-02. Review status: criteria provided, single submitter. Criteria: Ambry Variant Classification Scheme 2023. Collection method: clinical testing. Allele origin: germline. Not counted in ClinVar's aggregate classification.
Comment: The p.Q392R variant (also known as c.1175A>G), located in coding exon 8 of the RUNX1 gene, results from an A to G substitution at nucleotide position 1175. The glutamine at codon 392 is replaced by arginine, an amino acid with highly similar properties. This amino acid position is conserved. In addition, the in silico prediction for this alteration is inconclusive. Based on the available evidence, the clinical significance of this variant remains unclear.

Labcorp Genetics (formerly Invitae), Labcorp
Classification: Uncertain significance for Hereditary thrombocytopenia and hematological cancer predisposition syndrome associated with RUNX1. Last evaluated: 2020-12-29. Review status: criteria provided, single submitter. Criteria: Invitae Variant Classification Sherloc (09022015). Collection method: clinical testing. Allele origin: germline. Not counted in ClinVar's aggregate classification.
Comment: In summary, the available evidence is currently insufficient to determine the role of this variant in disease. Therefore, it has been classified as a Variant of Uncertain Significance. Algorithms developed to predict the effect of missense changes on protein structure and function (SIFT, PolyPhen-2, Align-GVGD) all suggest that this variant is likely to be tolerated, but these predictions have not been confirmed by published functional studies and their clinical significance is uncertain. This variant has not been reported in the literature in individuals with RUNX1-related conditions. This variant is not present in population databases (ExAC no frequency). This sequence change replaces glutamine with arginine at codon 392 of the RUNX1 protein (p.Gln392Arg). The glutamine residue is moderately conserved and there is a small physicochemical difference between glutamine and arginine.

NM_001754.5(RUNX1):c.1175A>G (p.Gln392Arg)

Gene: RUNX1 (RUNX family transcription factor 1; minus strand). Cytogenetic location: 21q22.12.
Variant type: single nucleotide variant.
Coding change: c.1175A>G on transcript NM_001754.5 (MANE Select); coding-DNA position 1175, A replaced by G.
Protein change: p.Gln392Arg; replaces glutamine 392 with arginine.
Molecular consequence: missense variant.
Genome position (GRCh38, 1-based): chr21:34,792,403, T>C on the plus strand (A>G on the coding strand, the complement: RUNX1 is on the minus strand). VCF-style: chr21-34792403-T-C. GRCh37 (hg19) VCF-style: chr21-36164700-T-C.
Other names: NM_001754.5(RUNX1):c.1175A>G; p.Gln392Arg; c.1094A>G, p.Gln365Arg (NM_001001890.3); c.1175A>G (NM_001754.4); short protein forms Q365R, Q392R.
Identifiers: ClinVar variation 1473511 (VCV001473511.10), dbSNP rs1290940209, ClinGen allele CA410147867.
Genomic context (GRCh38, chr21:34,792,403, plus strand): 5'-CCGGCCGAGGCGCCGTAGTACAGGTGGTAGGAGGGCGAGCTGGCTTGGAACGGGCCTCCC[T>C]GCGCTTGCGACGAGCCGGGGTAGGGCGGCGGCAGGTAGGTGTGGTAGCGCGTGGCCGAGC-3'
Protein context (NP_001745.2, residues 382-402): PPPYPGSSQA[Gln392Arg]GGPFQASSPS